The following is an entry in ClinVar:

ClinVar aggregate classification (germline): Likely pathogenic (1 of 4 stars; one submission).

Conditions:
Dilated cardiomyopathy 1G (CMD1G). Identifiers: Orphanet 154, MedGen C1858763, MONDO:0011400, OMIM 604145.
Hypertrophic cardiomyopathy 9. Also called: Familial hypertrophic cardiomyopathy 9. Identifiers: MedGen C1861065, MONDO:0013412, OMIM 613765.

Submission:

UCLA Clinical Genomics Center, UCLA
Classification: Likely pathogenic for Dilated cardiomyopathy 1G; Familial hypertrophic cardiomyopathy 9. Last evaluated: 2012-04-24. Review status: criteria provided, single submitter. Criteria: Lee et al. (JAMA. 2014). Collection method: clinical testing. Allele origin: unknown. Inheritance: Autosomal dominant inheritance. Affected: yes. Study: CES.
Comment: marfan, mitral, mitral valve prolapse, atrial fibrillation, cardiomyopathy, connective tissue disorder

NM_133378.4(TTN):c.[38532C>A];[52301A>G]

Variant type: CompoundHeterozygote.
Identifiers: ClinVar variation 424805 (VCV000424805.2).